The following is an entry in ClinVar:

ClinVar aggregate classification (germline): Uncertain significance (1 of 4 stars; one submission).

gnomAD v4.1: 5 of 1,613,806 alleles (0.00031%); highest among the groups gnomAD compares: Non-Finnish European, 0.00042%; no homozygotes.

Submission:

Ambry Genetics
Classification: Uncertain significance. Last evaluated: 2025-05-01. Review status: criteria provided, single submitter. Criteria: Ambry Variant Classification Scheme 2023. Collection method: clinical testing. Allele origin: germline.
Comment: The p.P656L variant (also known as c.1967C>T), located in coding exon 13 of the GEN1 gene, results from a C to T substitution at nucleotide position 1967. The proline at codon 656 is replaced by leucine, an amino acid with similar properties. This amino acid position is conserved. In addition, this alteration is predicted to be tolerated by in silico analysis. Based on the available evidence, the clinical significance of this variant remains unclear.

NM_001130009.3(GEN1):c.1967C>T (p.Pro656Leu)

Gene: GEN1 (GEN1 Holliday junction 5' flap endonuclease; plus strand). Cytogenetic location: 2p24.2.
Variant type: single nucleotide variant.
Coding change: c.1967C>T on transcript NM_001130009.3 (MANE Select); coding-DNA position 1967, C replaced by T.
Protein change: p.Pro656Leu; replaces proline 656 with leucine.
Molecular consequence: missense variant.
Genome position (GRCh38, 1-based): chr2:17,781,179, C>T. VCF-style: chr2-17781179-C-T. GRCh37 (hg19) VCF-style: chr2-17962446-C-T.
Other names: c.1967C>T, p.Pro656Leu (NM_182625.5); short protein forms P656L.
Identifiers: ClinVar variation 4029263 (VCV004029263.1).